The following is an entry in ClinVar:

ClinVar aggregate classification (germline): Uncertain significance (1 of 4 stars; one submission).

Conditions:
Bloom syndrome (BLM). Also called: Bloom-Torre-Machacek syndrome. Identifiers: Orphanet 125, MedGen C0005859, MONDO:0008876, OMIM 210900.

Submission:

Labcorp Genetics (formerly Invitae), Labcorp
Classification: Uncertain significance for Bloom syndrome. Last evaluated: 2022-10-25. Review status: criteria provided, single submitter. Criteria: Invitae Variant Classification Sherloc (09022015). Collection method: clinical testing. Allele origin: germline.
Comment: This sequence change replaces aspartic acid, which is acidic and polar, with glutamic acid, which is acidic and polar, at codon 542 of the BLM protein (p.Asp542Glu). In summary, the available evidence is currently insufficient to determine the role of this variant in disease. Therefore, it has been classified as a Variant of Uncertain Significance. Advanced modeling of protein sequence and biophysical properties (such as structural, functional, and spatial information, amino acid conservation, physicochemical variation, residue mobility, and thermodynamic stability) performed at Invitae indicates that this missense variant is not expected to disrupt BLM protein function. ClinVar contains an entry for this variant (Variation ID: 1479137). This variant has not been reported in the literature in individuals affected with BLM-related conditions. This variant is not present in population databases (gnomAD no frequency).

NM_000057.4(BLM):c.1626C>A (p.Asp542Glu)

Gene: BLM (BLM RecQ like helicase; plus strand). Cytogenetic location: 15q26.1.
Variant type: single nucleotide variant.
Coding change: c.1626C>A on transcript NM_000057.4 (MANE Select); coding-DNA position 1626, C replaced by A.
Protein change: p.Asp542Glu; replaces aspartic acid 542 with glutamic acid.
Molecular consequence: missense variant.
Genome position (GRCh38, 1-based): chr15:90,760,999, C>A. VCF-style: chr15-90760999-C-A. GRCh37 (hg19) VCF-style: chr15-91304229-C-A.
Other names: c.1626C>A, p.Asp542Glu (NM_001287246.2, NM_001287247.2); c.501C>A, p.Asp167Glu (NM_001287248.2); short protein forms D167E, D542E.
Identifiers: ClinVar variation 1479137 (VCV001479137.6), dbSNP rs1895968518, ClinGen allele CA393843473.